The following is an entry in ClinVar:

NM_212482.4(FN1):c.853C>G (p.Pro285Ala)

Gene: FN1 (fibronectin 1; minus strand). Cytogenetic location: 2q35.
Variant type: single nucleotide variant.
Coding change: c.853C>G on transcript NM_212482.4 (MANE Select); coding-DNA position 853, C replaced by G.
Protein change: p.Pro285Ala; replaces proline 285 with alanine.
Molecular consequence: missense variant.
Genome position (GRCh38, 1-based): chr2:215,425,277, G>C on the plus strand (C>G on the coding strand, the complement: FN1 is on the minus strand). VCF-style: chr2-215425277-G-C. GRCh37 (hg19) VCF-style: chr2-216290000-G-C.
Other names: c.853C>G, p.Pro285Ala (NM_001306129.2, NM_001306130.2, NM_001306131.2 and 14 more transcripts); short protein forms P285A.
Identifiers: ClinVar variation 4810265 (VCV004810265.1).
Genomic context (GRCh38, chr2:215,425,277, plus strand): 5'-AGGGAGGAGGCTGGGGGTGAGGCTGCGGTTGGTAAACAGCTGCACGAACATCGGTGAAGG[G>C]GCCAGATCCTAATGGCATGAAAAGGGAATGTCACAAAACTGGGTGAGAGAAGACAATTCA-3'
Protein context (NP_997647.2, residues 275-295): SVQTTSSGSG[Pro285Ala]FTDVRAAVYQ

ClinVar aggregate classification (germline): Uncertain significance (1 of 4 stars; one submission).

gnomAD v4.1: 1 of 1,614,036 alleles (0.000062%); highest among the groups gnomAD compares: African/African-American, 0.0013%; no homozygotes.

Submission:

Labcorp Genetics (formerly Invitae), Labcorp
Classification: Uncertain significance. Last evaluated: 2025-12-08. Review status: criteria provided, single submitter. Criteria: Invitae Variant Classification Sherloc (09022015). Collection method: clinical testing. Allele origin: germline.
Comment: This sequence change replaces proline, which is neutral and non-polar, with alanine, which is neutral and non-polar, at codon 285 of the FN1 protein (p.Pro285Ala). This variant is not present in population databases (gnomAD no frequency). This variant has not been reported in the literature in individuals affected with FN1-related conditions. An algorithm developed to predict the effect of missense changes on protein structure and function (PolyPhen-2) suggests that this variant is likely to be tolerated. In summary, the available evidence is currently insufficient to determine the role of this variant in disease. Therefore, it has been classified as a Variant of Uncertain Significance.